The following is an entry in ClinVar:

ClinVar aggregate classification (germline): Benign (1 of 4 stars; one submission).

Submission:

GeneDx
Classification: Benign. Last evaluated: 2018-06-14. Review status: criteria provided, single submitter. Criteria: GeneDx Variant Classification (06012015). Collection method: clinical testing. Allele origin: germline. Affected: yes.
Comment: This variant is considered likely benign or benign based on one or more of the following criteria: it is a conservative change, it occurs at a poorly conserved position in the protein, it is predicted to be benign by multiple in silico algorithms, and/or has population frequency not consistent with disease.

NM_000363.5(TNNI3):c.550-256_550-255del

Gene: TNNI3 (troponin I3, cardiac type; minus strand). Cytogenetic location: 19q13.42.
Variant type: Deletion.
Coding change: c.550-256_550-255del on transcript NM_000363.5 (MANE Select); 256 bases into the intron before coding-DNA position 550 through 255 bases into the intron before coding-DNA position 550, 2 bases deleted (GA; older notation c.550-256_550-255delGA).
Molecular consequence: intron variant.
Genome position (GRCh38, 1-based): chr19:55,152,172-55,152,173, TC deleted on the plus strand (GA on the coding strand, the reverse complement: TNNI3 is on the minus strand); deleting any 2 consecutive bases within chr19:55,152,172-55,152,174 gives the same sequence; the c. name uses the placement nearest the transcript's 3' end. VCF-style (leftmost placement, unchanged base first): chr19-55152171-TTC-T. GRCh37 (hg19) VCF-style: chr19-55663539-TTC-T.
Identifiers: ClinVar variation 680810 (VCV000680810.1), dbSNP rs56007758, ClinGen allele CA310145155.